The following is an entry in ClinVar:

NC_000002.11:g.(?_50724523)_(50808051_?)del

Gene: NRXN1 (neurexin 1; minus strand). Cytogenetic location: 2p16.3.
Variant type: Deletion.
Identifiers: ClinVar variation 3247394 (VCV003247394.1).

ClinVar aggregate classification (germline): Likely pathogenic (1 of 4 stars; one submission).

Conditions:
Pitt-Hopkins-like syndrome 2 (PTHSL2). Identifiers: Orphanet 221150, Orphanet 600663, MedGen C3280479, MONDO:0013690, OMIM 614325.

Submission:

Labcorp Genetics (formerly Invitae), Labcorp
Classification: Likely pathogenic for Pitt-Hopkins-like syndrome 2. Last evaluated: 2022-06-13. Review status: criteria provided, single submitter. Criteria: Invitae Variant Classification Sherloc (09022015). Collection method: clinical testing. Allele origin: unknown.
Comment: In summary, the currently available evidence indicates that the variant is pathogenic, but additional data are needed to prove that conclusively. Therefore, this variant has been classified as Likely Pathogenic. This variant has not been reported in the literature in individuals affected with NRXN1-related conditions. This variant results in the deletion of deletion of exons 10-14 and part of exon 15 (c.1441-27888_2947delinsAA) of the NRXN1 gene. It is expected to disrupt RNA splicing. Variants that disrupt the donor or acceptor splice site typically lead to a loss of protein function (PMID: 16199547), and loss-of-function variants in NRXN1 are known to be pathogenic (PMID: 19896112, 21964664, 23495017, 23533028, 25149956, 30031152).

Literature cited by the submitters: PubMed 16199547; PubMed 19896112; PubMed 21964664; PubMed 23495017; PubMed 23533028; PubMed 25149956; PubMed 30031152.